The following is an entry in ClinVar:

NM_015261.3(NCAPD3):c.2892A>G (p.Val964=)

Gene: NCAPD3 (non-SMC condensin II complex subunit D3; minus strand). Cytogenetic location: 11q25.
Variant type: single nucleotide variant.
Coding change: c.2892A>G on transcript NM_015261.3 (MANE Select); coding-DNA position 2892, A replaced by G.
Protein change: p.Val964=; no amino-acid change (valine 964 retained).
Molecular consequence: synonymous variant.
Genome position (GRCh38, 1-based): chr11:134,177,348, T>C on the plus strand (A>G on the coding strand, the complement: NCAPD3 is on the minus strand). VCF-style: chr11-134177348-T-C. GRCh37 (hg19) VCF-style: chr11-134047243-T-C.
Other names: c.2892A>G, p.Val964= (NM_001372065.1, NM_001372068.1); c.2478A>G, p.Val826= (NM_001372069.1, NM_001372070.1).
Identifiers: ClinVar variation 1321850 (VCV001321850.5), dbSNP rs2276265, ClinGen allele CA6371102.
Genomic context (GRCh38, chr11:134,177,348, plus strand): 5'-GGAGATGTTGGGAATATACTTGTCCACCATGATGGTGTAGCGAATGCAGAGATCGCACAT[T>C]ACAATGATGACGTTGTTGCGGACAGCCACGTCCTCACACACCTCGAGCTCTCGCACCAGG-3'
Protein context (NP_056076.1, residues 954-974): DVAVRNNVII[Val964=]MCDLCIRYTI

ClinVar aggregate classification (germline): Benign. Review status: criteria provided, multiple submitters, no conflicts (2 of 4 stars). 3 submissions from 3 submitters: Benign (2). 1 of the submissions does not count toward it. Last evaluated 2021-09-05.

Conditions:
NCAPD3-related disorder. Also called: NCAPD3-related condition.
Microcephaly 22, primary, autosomal recessive. Identifiers: MedGen C4693834, MONDO:0054805, OMIM 617984.

Allele frequency attached by ClinVar (database versions not stated): gnomAD exomes 0.33640 and 0.35552; ExAC 0.36544; gnomAD 0.45261 and 0.46126; ESP Exome Variant Server 0.45722; TOPMed 0.45980; 1000 Genomes Project 0.47304; 1000 Genomes Project 30x 0.48438.
gnomAD v4.1: 560,685 of 1,613,846 alleles (35%); highest among the groups gnomAD compares: African/African-American, 76%; 105,279 homozygotes.

Submissions (3):

Genome-Nilou Lab
Classification: Benign for Microcephaly 22, primary, autosomal recessive. Last evaluated: 2021-09-05. Review status: criteria provided, single submitter. Criteria: ACMG Guidelines, 2015. Collection method: clinical testing. Allele origin: germline. Affected: no.

Breakthrough Genomics
Classification: Benign. Review status: criteria provided, single submitter. Criteria: ACMG Guidelines, 2015. Collection method: not provided. Allele origin: germline. Inheritance: Autosomal recessive inheritance. Affected: yes.

PreventionGenetics, part of Exact Sciences
Classification: Benign for NCAPD3-related condition. Last evaluated: 2019-10-18. Review status: no assertion criteria provided. Collection method: clinical testing. Allele origin: germline. Not counted in ClinVar's aggregate classification.
Comment: This variant is classified as benign based on ACMG/AMP sequence variant interpretation guidelines (Richards et al. 2015 PMID: 25741868, with internal and published modifications).